The following is an entry in ClinVar:

ClinVar aggregate classification (germline): Uncertain significance (1 of 4 stars; one submission).

Submission:

GeneDx
Classification: Uncertain significance. Last evaluated: 2023-06-13. Review status: criteria provided, single submitter. Criteria: GeneDx Variant Classification Process June 2021. Collection method: clinical testing. Allele origin: germline. Affected: yes.
Comment: Not observed at significant frequency in large population cohorts (gnomAD); In silico analysis supports a deleterious effect on splicing; Has not been previously published as pathogenic or benign to our knowledge

NM_001348800.3(ZBTB20):c.199+4A>C

Genes: ZBTB20 (zinc finger and BTB domain containing 20; minus strand), ZBTB20-AS1 (ZBTB20 antisense RNA 1; plus strand). Cytogenetic location: 3q13.31.
Variant type: single nucleotide variant.
Coding change: c.199+4A>C on transcript NM_001348800.3 (MANE Select); 4 bases into the intron after coding-DNA position 199, A replaced by C.
Molecular consequence: intron variant.
Genome position (GRCh38, 1-based): chr3:114,380,213, T>G on the plus strand (A>C on the coding strand, the complement: ZBTB20 is on the minus strand). VCF-style: chr3-114380213-T-G. GRCh37 (hg19) VCF-style: chr3-114099060-T-G.
Other names: c.-21+4A>C (NM_015642.7, NM_001348801.3, NM_001348802.3 and 9 more transcripts); c.199+4A>C (NM_001348803.3, NM_001393393.1, NM_001393394.1 and 1 more transcripts).
Identifiers: ClinVar variation 3359852 (VCV003359852.1).
Genomic context (GRCh38, chr3:114,380,213, plus strand): 5'-AACCCAGGGTAGAAGCACTACTCCAAGCACTGCAAAGACACCATCACCTTAGTGGTGTAC[T>G]CACAATCAGATGACCCGGTGTGAGCGTGAGAGTTTGTCAGTGAATGTGTTGAGTGGATGA-3'